The following is an entry in ClinVar:

ClinVar aggregate classification (germline): Benign/Likely benign. Review status: criteria provided, multiple submitters, no conflicts (2 of 4 stars). 5 submissions from 5 submitters: Benign (1); Likely benign (3). 1 of the submissions does not count toward it. Last evaluated 2024-06-14.

Conditions:
Familial cancer of breast. Also called: Hereditary breast cancer; BREAST CANCER, FAMILIAL; hereditary breast carcinoma. Identifiers: Orphanet 227535, MedGen C0346153, MONDO:0016419, OMIM 114480. Disease mechanism: loss of function.
Hereditary cancer-predisposing syndrome. Also called: Tumor predisposition; Hereditary neoplastic syndrome; Neoplastic Syndromes, Hereditary; Hereditary Cancer Syndrome. Identifiers: Orphanet 140162, MedGen C0027672, MeSH D009386, MONDO:0015356.
Ataxia-telangiectasia syndrome (AT). Also called: Ataxia-telangiectasia, complementation group D; AT, COMPLEMENTATION GROUP C; ATAXIA-TELANGIECTASIA, COMPLEMENTATION GROUP A; ATAXIA-TELANGIECTASIA, FRESNO VARIANT; Ataxia-telangiectasia; LOUIS-BAR SYNDROME. Identifiers: Orphanet 100, MedGen C0004135, MONDO:0008840, OMIM 208900.

Allele frequency attached by ClinVar (database versions not stated): gnomAD exomes below 0.00001.
gnomAD v4.1: 6 of 1,613,096 alleles (0.00037%); highest among the groups gnomAD compares: Non-Finnish European, 0.00051%; no homozygotes.

Submissions (5):

Myriad Genetics, Inc.
Classification: Benign for Familial cancer of breast. Last evaluated: 2024-06-14. Review status: criteria provided, single submitter. Criteria: Myriad Autosomal Dominant, Autosomal Recessive and X-Linked Classification Criteria (2023). Collection method: clinical testing. Allele origin: unknown.
Comment: This variant is considered benign. This variant is a silent/synonymous amino acid change and it is not expected to impact splicing.

Blueprint Genetics
Classification: Likely benign. Last evaluated: 2024-05-15. Review status: criteria provided, single submitter. Criteria: ACMG Guidelines, 2015. Collection method: clinical testing. Allele origin: germline.

Labcorp Genetics (formerly Invitae), Labcorp
Classification: Likely benign for Ataxia-telangiectasia syndrome. Last evaluated: 2023-04-19. Review status: criteria provided, single submitter. Criteria: Invitae Variant Classification Sherloc (09022015). Collection method: clinical testing. Allele origin: germline.

Ambry Genetics
Classification: Likely benign for Hereditary cancer-predisposing syndrome. Last evaluated: 2022-09-19. Review status: criteria provided, single submitter. Criteria: Ambry Variant Classification Scheme 2023. Collection method: clinical testing. Allele origin: germline.

Natera, Inc.
Classification: Uncertain significance for Ataxia-telangiectasia. Last evaluated: 2025-02-17. Review status: no assertion criteria provided. Collection method: clinical testing. Allele origin: germline. Not counted in ClinVar's aggregate classification.

NM_000051.4(ATM):c.7605A>G (p.Leu2535=)

Genes: ATM (ATM serine/threonine kinase; plus strand), C11orf65 (chromosome 11 open reading frame 65; minus strand). Cytogenetic location: 11q22.3.
Variant type: single nucleotide variant.
Coding change: c.7605A>G on transcript NM_000051.4 (MANE Select); coding-DNA position 7605, A replaced by G.
Protein change: p.Leu2535=; no amino-acid change (leucine 2535 retained).
Molecular consequence: synonymous variant. On other transcripts: non-coding transcript variant (1), intron variant (2).
Genome position (GRCh38, 1-based): chr11:108,331,533, A>G. VCF-style: chr11-108331533-A-G. GRCh37 (hg19) VCF-style: chr11-108202260-A-G.
Other names: c.7605A>G, p.Leu2535= (NM_001351834.2); c.641-22462T>C (NM_001330368.2); c.*38+3687T>C (NM_001351110.2).
Identifiers: ClinVar variation 764209 (VCV000764209.12), dbSNP rs1591167954, ClinGen allele CA476677075.
Genomic context (GRCh38, chr11:108,331,533, plus strand): 5'-ATTTTTGCCTCTTATGTACCAATTGGCTGCTAGAATGGGGACCAAGATGATGGGAGGCCT[A>G]GGATTTCATGAAGTCCTCAATAATGTAAGTAAACCTGAAAATCAAACCACAATAATTATT-3'
Protein context (NP_000042.3, residues 2525-2545): ARMGTKMMGG[Leu2535=]GFHEVLNNLI